The following is an entry in ClinVar:

ClinVar aggregate classification (germline): Uncertain significance (1 of 4 stars; one submission).

Conditions:
Inborn genetic diseases. Identifiers: MedGen C0950123, MeSH D030342.

gnomAD v4.1: 47 of 1,613,852 alleles (0.0029%); highest among the groups gnomAD compares: Non-Finnish European, 0.004%; no homozygotes.

Submission:

Ambry Genetics
Classification: Uncertain significance for Inborn genetic diseases. Last evaluated: 2024-11-25. Review status: criteria provided, single submitter. Criteria: Ambry Variant Classification Scheme 2023. Collection method: clinical testing. Allele origin: germline.
Comment: The p.F853C variant (also known as c.2558T>G), located in coding exon 21 of the KDM1A gene, results from a T to G substitution at nucleotide position 2558. The phenylalanine at codon 853 is replaced by cysteine, an amino acid with highly dissimilar properties. This amino acid position is conserved. In addition, the in silico prediction for this alteration is inconclusive. Based on the available evidence, the clinical significance of this variant remains unclear.

NM_001009999.3(KDM1A):c.2558T>G (p.Phe853Cys)

Gene: KDM1A (lysine demethylase 1A; plus strand). Cytogenetic location: 1p36.12.
Variant type: single nucleotide variant.
Coding change: c.2558T>G on transcript NM_001009999.3 (MANE Select); coding-DNA position 2558, T replaced by G.
Protein change: p.Phe853Cys; replaces phenylalanine 853 with cysteine.
Molecular consequence: missense variant. On other transcripts: 3 prime UTR variant (1).
Genome position (GRCh38, 1-based): chr1:23,083,291, T>G. VCF-style: chr1-23083291-T-G. GRCh37 (hg19) VCF-style: chr1-23409784-T-G.
Other names: c.2504T>G, p.Phe835Cys (NM_001363654.2); c.2564T>G, p.Phe855Cys (NM_001410762.1); c.*806T>G (NM_001410763.1); c.2486T>G, p.Phe829Cys (NM_015013.4); short protein forms F835C, F829C, F855C, F853C.
Identifiers: ClinVar variation 3532935 (VCV003532935.1).